The following is an entry in ClinVar:

ClinVar aggregate classification (germline): Conflicting classifications of pathogenicity. Review status: criteria provided, conflicting classifications (1 of 4 stars). 7 submissions from 7 submitters: Uncertain significance (6); Likely benign (1). Last evaluated 2025-04-07.

Conditions:
Hereditary cancer-predisposing syndrome. Also called: Hereditary Cancer Syndrome; Neoplastic Syndromes, Hereditary; Tumor predisposition; Hereditary neoplastic syndrome. Identifiers: Orphanet 140162, MedGen C0027672, MeSH D009386, MONDO:0015356.
Breast-ovarian cancer, familial, susceptibility to, 2 (BROVCA2). Also called: BRCA2 Hereditary Breast and Ovarian Cancer. Identifiers: Orphanet 145, MedGen C2675520, MONDO:0012933, OMIM 612555. Disease mechanism: loss of function.
Hereditary breast ovarian cancer syndrome. Also called: Hereditary breast and/or ovarian cancer syndrome; BRCA1- and BRCA2-Associated Hereditary Breast and Ovarian Cancer; Hereditary breast and ovarian cancer syndrome (HBOC); Hereditary breast and ovarian cancer; Hereditary breast and ovarian cancer syndrome; Breast and ovarian cancer. Identifiers: Orphanet 145, MedGen C0677776, MeSH D061325, MONDO:0003582. Disease mechanism: loss of function.

gnomAD v4.1: 2 of 1,613,714 alleles (0.00012%); highest among the groups gnomAD compares: Non-Finnish European, 0.00017%; no homozygotes.

Submissions (7):

Women's Health and Genetics/Laboratory Corporation of America, LabCorp
Classification: Uncertain significance. Last evaluated: 2025-04-07. Review status: criteria provided, single submitter. Criteria: LabCorp Variant Classification Summary - May 2015. Collection method: clinical testing. Allele origin: germline.
Comment: Variant summary: BRCA2 c.2968A>G (p.Met990Val) results in a conservative amino acid change in the encoded protein sequence. Five of five in-silico tools predict a benign effect of the variant on protein function. The variant allele was found at a frequency of 1.2e-06 in 1606746 control chromosomes in the gnomAD database (v4.1 dataset). The available data on variant occurrences in the general population are insufficient to allow any conclusion about variant significance. To our knowledge, no occurrence of c.2968A>G in individuals affected with Hereditary Breast And Ovarian Cancer Syndrome and no experimental evidence demonstrating its impact on protein function have been reported. ClinVar contains an entry for this variant (Variation ID: 232933). Based on the evidence outlined above, the variant was classified as uncertain significance.

Quest Diagnostics Nichols Institute San Juan Capistrano
Classification: Uncertain significance. Last evaluated: 2024-04-15. Review status: criteria provided, single submitter. Criteria: Quest Diagnostics criteria. Collection method: clinical testing. Allele origin: unknown.
Comment: The BRCA2 c.2968A>G (p.Met990Val) variant has been reported in the published literature to be located in a region of the BRCA2 gene that is tolerant to missense sequence changes (PMID: 31911673 (2020)). To the best of our knowledge, this variant has not been reported in individuals with BRCA2-related disorders. This variant has not been reported in large, multi-ethnic general populations (Genome Aggregation Database). Analysis of this variant using bioinformatics tools for the prediction of the effect of amino acid changes on protein structure and function yielded predictions that this variant is benign. Based on the available information, we are unable to determine the clinical significance of this variant.

Labcorp Genetics (formerly Invitae), Labcorp
Classification: Uncertain significance for Hereditary breast ovarian cancer syndrome. Last evaluated: 2024-02-05. Review status: criteria provided, single submitter. Criteria: Invitae Variant Classification Sherloc (09022015). Collection method: clinical testing. Allele origin: germline.
Comment: This sequence change replaces methionine, which is neutral and non-polar, with valine, which is neutral and non-polar, at codon 990 of the BRCA2 protein (p.Met990Val). This variant is not present in population databases (gnomAD no frequency). This variant has not been reported in the literature in individuals affected with BRCA2-related conditions. ClinVar contains an entry for this variant (Variation ID: 232933). Advanced modeling of protein sequence and biophysical properties (such as structural, functional, and spatial information, amino acid conservation, physicochemical variation, residue mobility, and thermodynamic stability) performed at Invitae indicates that this missense variant is not expected to disrupt BRCA2 protein function with a negative predictive value of 95%. In summary, the available evidence is currently insufficient to determine the role of this variant in disease. Therefore, it has been classified as a Variant of Uncertain Significance.

All of Us Research Program, National Institutes of Health
Classification: Uncertain significance for Breast-ovarian cancer, familial, susceptibility to, 2. Last evaluated: 2023-11-20. Review status: criteria provided, single submitter. Criteria: ACMG Guidelines, 2015. Collection method: clinical testing. Allele origin: germline. Inheritance: Autosomal dominant inheritance. Observed: 1 variant allele, 1 heterozygote.
Comment: This missense variant replaces methionine with valine at codon 990 of the BRCA2 protein. Computational prediction suggests that this variant may not impact protein structure and function (internally defined REVEL score threshold <= 0.5, PMID: 27666373). To our knowledge, functional studies have not been reported for this variant. This variant has not been reported in individuals affected with hereditary cancer in the literature. This variant has not been identified in the general population by the Genome Aggregation Database (gnomAD). The available evidence is insufficient to determine the role of this variant in disease conclusively. Therefore, this variant is classified as a Variant of Uncertain Significance.

This study involves interpretation of variants in research participants for the purpose of population health screening. Participant phenotype was not available at the time of variant classification. Additional details can be found in publication PMID: 35346344, PMCID: PMC8962531

Color Diagnostics, LLC DBA Color Health
Classification: Uncertain significance for Hereditary cancer-predisposing syndrome. Last evaluated: 2023-04-19. Review status: criteria provided, single submitter. Criteria: ACMG Guidelines, 2015. Collection method: clinical testing. Allele origin: germline.
Comment: This missense variant replaces methionine with valine at codon 990 of the BRCA2 protein. Computational prediction suggests that this variant may not impact protein structure and function (internally defined REVEL score threshold <= 0.5, PMID: 27666373). To our knowledge, functional studies have not been reported for this variant. This variant has not been reported in individuals affected with hereditary cancer in the literature. This variant has not been identified in the general population by the Genome Aggregation Database (gnomAD). The available evidence is insufficient to determine the role of this variant in disease conclusively. Therefore, this variant is classified as a Variant of Uncertain Significance.

University of Washington Department of Laboratory Medicine, University of Washington
Classification: Likely benign for Hereditary cancer-predisposing syndrome. Last evaluated: 2023-03-23. Review status: criteria provided, single submitter. Criteria: Dines et al. (Genet Med. 2020). Collection method: curation. Allele origin: germline.
Comment: Missense variant in a coldspot region where missense variants are very unlikely to be pathogenic (PMID:31911673).

BRCA2 exon 11 coldspot. Reclassification based on statistical prior probability.

Ambry Genetics
Classification: Uncertain significance for Hereditary cancer-predisposing syndrome. Last evaluated: 2022-10-05. Review status: criteria provided, single submitter. Criteria: Ambry Variant Classification Scheme 2023. Collection method: clinical testing. Allele origin: germline.
Comment: The p.M990V variant (also known as c.2968A>G), located in coding exon 10 of the BRCA2 gene, results from an A to G substitution at nucleotide position 2968. The methionine at codon 990 is replaced by valine, an amino acid with highly similar properties. This amino acid position is poorly conserved in available vertebrate species. In addition, this alteration is predicted to be tolerated by in silico analysis. Since supporting evidence is limited at this time, the clinical significance of this alteration remains unclear.

Literature cited by the submitters: PubMed 31911673 (cited by Quest Diagnostics Nichols Institute San Juan Capistrano).

NM_000059.4(BRCA2):c.2968A>G (p.Met990Val)

Gene: BRCA2 (BRCA2 DNA repair associated; plus strand). Cytogenetic location: 13q13.1.
Variant type: single nucleotide variant.
Coding change: c.2968A>G on transcript NM_000059.4 (MANE Select); coding-DNA position 2968, A replaced by G.
Protein change: p.Met990Val; replaces methionine 990 with valine.
Molecular consequence: missense variant.
Genome position (GRCh38, 1-based): chr13:32,337,323, A>G. VCF-style: chr13-32337323-A-G. GRCh37 (hg19) VCF-style: chr13-32911460-A-G.
Other names: short protein forms M990V.
Identifiers: ClinVar variation 232933 (VCV000232933.24), dbSNP rs876660083, ClinGen allele CA10579559.